The following is an entry in ClinVar:

NM_018344.6(SLC29A3):c.-7C>T

Genes: SLC29A3 (solute carrier family 29 member 3; plus strand), LOC130004025 (ATAC-STARR-seq lymphoblastoid silent region 2461; plus strand). Cytogenetic location: 10q22.1.
Variant type: single nucleotide variant.
Coding change: c.-7C>T on transcript NM_018344.6 (MANE Select); 7 bases upstream of the start codon, C replaced by T.
Molecular consequence: 5 prime UTR variant. On other transcripts: non-coding transcript variant (2).
Genome position (GRCh38, 1-based): chr10:71,319,303, C>T. VCF-style: chr10-71319303-C-T. GRCh37 (hg19) VCF-style: chr10-73079060-C-T.
Other names: c.-7C>T (NM_001174098.2); c.-662C>T (NM_001363518.2).
Identifiers: ClinVar variation 877161 (VCV000877161.6), dbSNP rs538463874, ClinGen allele CA5542776.

ClinVar aggregate classification (germline): Benign/Likely benign. Review status: criteria provided, multiple submitters, no conflicts (2 of 4 stars). 3 submissions from 3 submitters: Benign (1); Likely benign (2). Last evaluated 2024-11-03.

Conditions:
H syndrome. Also called: Pigmented hypertrichosis and insulin-dependent diabetes mellitus; HISTIOCYTOSIS AND LYMPHADENOPATHY WITH OR WITHOUT CUTANEOUS, CARDIAC, AND/OR ENDOCRINE FEATURES, JOINT CONTRACTURES, AND/OR DEAFNESS; HYPERPIGMENTATION, CUTANEOUS, WITH HYPERTRICHOSIS, HEPATOSPLENOMEGALY, HEART ANOMALIES, AND HYPOGONADISM WITH OR WITHOUT HEARING LOSS; PIGMENTED HYPERTRICHOSIS WITH INSULIN-DEPENDENT DIABETES MELLITUS; ROSAI-DORFMAN DISEASE, FAMILIAL; SINUS HISTIOCYTOSIS AND MASSIVE LYMPHADENOPATHY. Identifiers: Orphanet 168569, MedGen C1864445, MONDO:0011273, OMIM 602782.
SLC29A3-related disorder. Also called: SLC29A3-related condition.

Allele frequency attached by ClinVar (database versions not stated): gnomAD 0.00038 and 0.00058; TOPMed 0.00038; 1000 Genomes Project 0.00080; 1000 Genomes Project 30x 0.00109; gnomAD exomes 0.00183; ExAC 0.00763.

Submissions (3):

PreventionGenetics, part of Exact Sciences
Classification: Likely benign for SLC29A3-related condition. Last evaluated: 2024-11-03. Review status: criteria provided, single submitter. Criteria: ACMG Guidelines, 2015. Collection method: clinical testing. Allele origin: germline.
Comment: This variant is classified as likely benign based on ACMG/AMP sequence variant interpretation guidelines (Richards et al. 2015 PMID: 25741868, with internal and published modifications).

Blueprint Genetics
Classification: Likely benign. Last evaluated: 2024-10-15. Review status: criteria provided, single submitter. Criteria: ACMG Guidelines, 2015. Collection method: clinical testing. Allele origin: germline.

Illumina Laboratory Services, Illumina
Classification: Benign for H syndrome. Last evaluated: 2018-01-13. Review status: criteria provided, single submitter. Criteria: ICSL Variant Classification Criteria 13 December 2019. Collection method: clinical testing. Allele origin: germline.
Comment: This variant was observed in the ICSL laboratory as part of a predisposition screen in an ostensibly healthy population. It had not been previously curated by ICSL or reported in the Human Gene Mutation Database (HGMD: prior to June 1st, 2018), and was therefore a candidate for classification through an automated scoring system. Utilizing variant allele frequency, disease prevalence and penetrance estimates, and inheritance mode, an automated score was calculated to assess if this variant is too frequent to cause the disease. Based on the score and internal cut-off values, a variant classified as benign is not then subjected to further curation. The score for this variant resulted in a classification of benign for this disease.